The following is an entry in ClinVar:

ClinVar aggregate classification (germline): Conflicting classifications of pathogenicity. Review status: criteria provided, conflicting classifications (1 of 4 stars). 4 submissions from 4 submitters: Uncertain significance (2); Likely benign (2). Last evaluated 2025-12-28.

Conditions:
Inborn genetic diseases. Identifiers: MedGen C0950123, MeSH D030342.
FHOD3-related disorder. Also called: FHOD3-related condition.
Cardiovascular phenotype. Identifiers: MedGen CN230736.

Allele frequency attached by ClinVar (database versions not stated): ESP Exome Variant Server 0.00015; ExAC 0.00020; gnomAD 0.00021.
gnomAD v4.1: 380 of 1,607,006 alleles (0.024%); highest among the groups gnomAD compares: Admixed American, 0.11%; no homozygotes.

Submissions (4):

PreventionGenetics, part of Exact Sciences
Classification: Likely benign for FHOD3-related condition. Last evaluated: 2025-12-28. Review status: criteria provided, single submitter. Criteria: ACMG Guidelines, 2015. Collection method: clinical testing. Allele origin: germline.
Comment: This variant is classified as likely benign based on ACMG/AMP sequence variant interpretation guidelines (Richards et al. 2015 PMID: 25741868, with internal and published modifications).

Molecular Diagnostic Laboratory for Inherited Cardiovascular Disease, Montreal Heart Institute
Classification: Uncertain significance for Cardiovascular phenotype. Last evaluated: 2025-04-09. Review status: criteria provided, single submitter. Criteria: ACMG Guidelines, 2015. Collection method: clinical testing. Allele origin: germline. Affected: yes.

Blueprint Genetics
Classification: Likely benign. Last evaluated: 2024-09-18. Review status: criteria provided, single submitter. Criteria: ACMG Guidelines, 2015. Collection method: clinical testing. Allele origin: germline.

Ambry Genetics
Classification: Uncertain significance for Inborn genetic diseases. Last evaluated: 2022-08-16. Review status: criteria provided, single submitter. Criteria: Ambry Variant Classification Scheme 2023. Collection method: clinical testing. Allele origin: germline.

NM_001281740.3(FHOD3):c.1972C>G (p.Arg658Gly)

Gene: FHOD3 (formin homology 2 domain containing 3; plus strand). Cytogenetic location: 18q12.2.
Variant type: single nucleotide variant.
Coding change: c.1972C>G on transcript NM_001281740.3 (MANE Select); coding-DNA position 1972, C replaced by G.
Protein change: p.Arg658Gly; replaces arginine 658 with glycine.
Molecular consequence: missense variant. On other transcripts: intron variant (1).
Genome position (GRCh38, 1-based): chr18:36,687,129, C>G. VCF-style: chr18-36687129-C-G. GRCh37 (hg19) VCF-style: chr18-34267092-C-G.
Other names: c.1972C>G (NM_001281740.2); c.1447C>G, p.Arg483Gly (NM_025135.5); c.1445+5559C>G (NM_001281739.3); short protein forms R658G, R483G.
Identifiers: ClinVar variation 3095132 (VCV003095132.4), dbSNP rs150153026, ClinGen allele CA8941737.